The following is an entry in ClinVar:

ClinVar aggregate classification (germline): Pathogenic/Likely pathogenic. Review status: criteria provided, multiple submitters, no conflicts (2 of 4 stars). 6 submissions from 6 submitters: Pathogenic (5); Likely pathogenic (1). Last evaluated 2026-04-04.

Conditions:
Hermansky-Pudlak syndrome (HPS). Also called: ALBINISM WITH HEMORRHAGIC DIATHESIS AND PIGMENTED RETICULOENDOTHELIAL CELLS. Identifiers: Orphanet 79430, MedGen C0079504, MONDO:0019312.
Hermansky-Pudlak syndrome 1 (HPS1). Also called: DELTA STORAGE POOL DISEASE. Identifiers: Orphanet 231500, Orphanet 79430, MedGen C2931875, MONDO:0008748, OMIM 203300.

Submissions (6):

Myriad Genetics, Inc.
Classification: Pathogenic for Hermansky-Pudlak syndrome 1. Last evaluated: 2026-04-04. Review status: criteria provided, single submitter. Criteria: Myriad Autosomal Dominant, Autosomal Recessive and X-Linked Classification Criteria (2023). Collection method: clinical testing. Allele origin: unknown.
Comment: NM_000195.3(HPS1):c.962delG(G321Afs*10) is expected to be pathogenic in the context of Hermansky-Pudlak syndrome, HPS1-related. This variant is predicted to lead to an abnormal or absent protein product due to the creation of a premature termination codon in HPS1, a gene where loss-of-function variants are known to be pathogenic. Please note: this variant was assessed in the context of healthy population screening.

Natera, Inc.
Classification: Pathogenic for Hermansky-Pudlak syndrome. Last evaluated: 2025-11-18. Review status: criteria provided, single submitter. Criteria: Natera Variant Classification Schema (03/2026). Collection method: clinical testing. Allele origin: germline.
Comment: The c.962delG variant in HPS1 is a frameshift variant predicted to shift the reading frame beginning at codon 321 and leads to a stop codon 10 codons downstream. This variant is expected to result in nonsense mediated decay, truncation, or a dysfunctional protein product. This variant is rare in the general population with a frequency below the threshold expected for the associated phenotype(s). This variant has been observed in one or more individuals affected with the associated recessive disease, as either homozygous or compound heterozygous with a second variant (PMID: 9497254). Given the available evidence, this variant is classified as Pathogenic.

Laboratory of Genetic Epidemiology, Research Centre for Medical Genetics
Classification: Pathogenic for Hermansky-Pudlak syndrome 1. Last evaluated: 2025-01-01. Review status: criteria provided, single submitter. Criteria: ACMG Guidelines, 2015. Collection method: clinical testing. Allele origin: unknown. Inheritance: Autosomal recessive inheritance. Affected: yes. Observed: 1 heterozygote.
Comment: This variant has not been previously reported in the literature and is listed in gnomAD v3.1.2 with allele frequency 0.000006 (1/152216). We assume that this variant is highly likely to be in trans state with pathogenic variant NM_000195.5:c.1189delС, p.(Gln397Serfs*2) in proband; therefore, based on the literature (PMID: 30311386), we apply the ACMG pathogenic criterion PM3 Supporting. Taken together, the variant meets the following ACMG/AMP criteria and can be classified as pathogenic with PM2, PVS1, PM3, PP5 criteria.

Baylor Genetics
Classification: Pathogenic for Hermansky-Pudlak syndrome 1. Last evaluated: 2023-09-14. Review status: criteria provided, single submitter. Criteria: ACMG Guidelines, 2015. Collection method: clinical testing. Allele origin: unknown.

Broad Center for Mendelian Genomics, Broad Institute of MIT and Harvard
Classification: Likely pathogenic for Hermansky-Pudlak syndrome. Last evaluated: 2021-11-29. Review status: criteria provided, single submitter. Criteria: ACMG Guidelines, 2015. Collection method: curation. Allele origin: germline. Inheritance: Autosomal recessive inheritance.
Comment: The p.Gly321fs variant in HPS1 has been reported in 1 individual, in the compound heterozygous state, with Hermansky-Pudlak syndrome (PMID: 9497254), and has been identified in 0.006% (1/15402) of European (non-Finnish) chromosomes by the Genome Aggregation Database (gnomAD; dbSNP ID: rs606231156). Although this variant has been seen in the general population in a heterozygous state, its frequency is low enough to be consistent with a recessive carrier frequency. It is of note that this variant occurs in a homopolymer repeat, which could indicate that it exists as an artifact from sequencing. However, disease-causing variants have been reported in homopolymer regions, so this is not enough to rule out a pathogenic role. This variant has also been reported in ClinVar (Variation ID#: 21110) and has been interpreted as pathogenic by GeneReviews. This variant is predicted to cause a frameshift, which alters the protein’s amino acid sequence beginning at position 321 and leads to a premature termination codon 10 amino acids downstream. This alteration is then predicted to lead to a truncated or absent protein. Loss of function of the HPS1 gene is an established disease mechanism in autosomal recessive Hermansky-Pudlak syndrome. In summary, although additional studies are required to fully establish its clinical significance, this variant is likely pathogenic for autosomal recessive Hermansky-Pudlak syndrome. ACMG/AMP Criteria applied: PM3_supporting, PM2_supporting, PVS1 (Richards 2015).

Labcorp Genetics (formerly Invitae), Labcorp
Classification: Pathogenic. Last evaluated: 2021-07-06. Review status: criteria provided, single submitter. Criteria: Invitae Variant Classification Sherloc (09022015). Collection method: clinical testing. Allele origin: germline.
Comment: This sequence change creates a premature translational stop signal (p.Gly321Alafs*10) in the HPS1 gene. It is expected to result in an absent or disrupted protein product. Loss-of-function variants in HPS1 are known to be pathogenic (PMID: 12442288, 16185271). This variant is not present in population databases (ExAC no frequency). This premature translational stop signal has been observed in individual(s) with Hermansky-Pudlak syndrome (PMID: 9497254). This variant is also known as G321delG. ClinVar contains an entry for this variant (Variation ID: 21110). For these reasons, this variant has been classified as Pathogenic.

Literature cited by the submitters: PubMed 9497254 (cited by Natera, Inc. and Labcorp Genetics (formerly Invitae), Labcorp); PubMed 41428507 (cited by Laboratory of Genetic Epidemiology, Research Centre for Medical Genetics); PubMed 12442288 (cited by Labcorp Genetics (formerly Invitae), Labcorp); PubMed 16185271 (cited by Labcorp Genetics (formerly Invitae), Labcorp).

NM_000195.5(HPS1):c.962del (p.Gly321fs)

Gene: HPS1 (HPS1 biogenesis of lysosomal organelles complex 3 subunit 1; minus strand). Cytogenetic location: 10q24.2.
Variant type: Deletion.
Coding change: c.962del on transcript NM_000195.5 (MANE Select); coding-DNA position 962, one base deleted (G; older notation c.962delG).
Protein change: p.Gly321fs; shifts the reading frame from glycine 321.
Molecular consequence: frameshift variant. On other transcripts: 5 prime UTR variant (3).
Genome position (GRCh38, 1-based): chr10:98,427,240, C deleted on the plus strand (G on the coding strand, the reverse complement: HPS1 is on the minus strand); the first of 6 consecutive C bases (chr10:98,427,240-98,427,245); deleting any one gives the same sequence. VCF-style (leftmost placement, unchanged base first): chr10-98427239-GC-G. GRCh37 (hg19) VCF-style: chr10-100186996-GC-G.
Other names: NM_000195.5(HPS1):c.962del; p.Gly321fs; c.962delG (NM_000195.4); c.-11del (NM_001311345.2, NM_001322487.2, NM_001322489.2); c.962del, p.Gly321fs (NM_001322476.2, NM_001322477.2); c.863del, p.Gly288fs (NM_001322478.2, NM_001322479.2); c.701del, p.Gly234fs (NM_001322480.2, NM_001322481.2); c.602del, p.Gly201fs (NM_001322482.2); and 2 more; short protein forms G165fs, G198fs, G201fs, G234fs, G288fs, G321fs.
Identifiers: ClinVar variation 1341380 (VCV001341380.10), dbSNP rs281865081, ClinGen allele CA341641.